The following is an entry in ClinVar:

NM_198503.5(KCNT2):c.600G>T (p.Leu200Phe)

Gene: KCNT2 (potassium sodium-activated channel subfamily T member 2; minus strand). Cytogenetic location: 1q31.3.
Variant type: single nucleotide variant.
Coding change: c.600G>T on transcript NM_198503.5 (MANE Select); coding-DNA position 600, G replaced by T.
Protein change: p.Leu200Phe; replaces leucine 200 with phenylalanine.
Molecular consequence: missense variant. On other transcripts: non-coding transcript variant (2).
Genome position (GRCh38, 1-based): chr1:196,465,331, C>A on the plus strand (G>T on the coding strand, the complement: KCNT2 is on the minus strand). VCF-style: chr1-196465331-C-A. GRCh37 (hg19) VCF-style: chr1-196434461-C-A.
Other names: c.600G>T, p.Leu200Phe (NM_001287819.3, NM_001287820.3); short protein forms L200F.
Identifiers: ClinVar variation 3391798 (VCV003391798.1).

ClinVar aggregate classification (germline): Uncertain significance (1 of 4 stars; one submission).

Submission:

GeneDx
Classification: Uncertain significance. Last evaluated: 2024-06-21. Review status: criteria provided, single submitter. Criteria: GeneDx Variant Classification Process June 2021. Collection method: clinical testing. Allele origin: germline. Affected: yes.
Comment: Not observed at significant frequency in large population cohorts (gnomAD); In silico analysis indicates that this missense variant does not alter protein structure/function; Has not been previously published as pathogenic or benign to our knowledge